The following is an entry in ClinVar:

NM_014425.5(INVS):c.67G>C (p.Val23Leu)

Gene: INVS (inversin; plus strand). Cytogenetic location: 9q31.1.
Variant type: single nucleotide variant.
Coding change: c.67G>C on transcript NM_014425.5 (MANE Select); coding-DNA position 67, G replaced by C.
Protein change: p.Val23Leu; replaces valine 23 with leucine.
Molecular consequence: missense variant. On other transcripts: 5 prime UTR variant (2), non-coding transcript variant (1).
Genome position (GRCh38, 1-based): chr9:100,104,588, G>C. VCF-style: chr9-100104588-G-C. GRCh37 (hg19) VCF-style: chr9-102866870-G-C.
Other names: c.-310G>C (NM_001318381.2); c.-923G>C (NM_001318382.2); short protein forms V23L.
Identifiers: ClinVar variation 842184 (VCV000842184.7), dbSNP rs145303373, ClinGen allele CA374358243.
Genomic context (GRCh38, chr9:100,104,588, plus strand): 5'-AAGTCAGAGAACCTGCTGTTTGCTGGTTCATCATTAGCATCACAAGTCCATGCTGCTGCC[G>C]TTAATGGAGATAAGGGTGCTCTACAGAGGCTCATCGTAGGTAAGCAGTCCCCTTAAGTAC-3'
Protein context (NP_055240.2, residues 13-33): SLASQVHAAA[Val23Leu]NGDKGALQRL

ClinVar aggregate classification (germline): Uncertain significance (1 of 4 stars; one submission).

Conditions:
Nephronophthisis. Also called: Juvenile Nephronophthisis. Identifiers: Orphanet 655, MedGen C0687120, MONDO:0019005, HP:0000090.

gnomAD v4.1: 8 of 1,614,068 alleles (0.0005%); highest among the groups gnomAD compares: South Asian, 0.0077%; no homozygotes.

Submission:

Labcorp Genetics (formerly Invitae), Labcorp
Classification: Uncertain significance for Nephronophthisis. Last evaluated: 2022-07-25. Review status: criteria provided, single submitter. Criteria: Invitae Variant Classification Sherloc (09022015). Collection method: clinical testing. Allele origin: germline.
Comment: This sequence change replaces valine, which is neutral and non-polar, with leucine, which is neutral and non-polar, at codon 23 of the INVS protein (p.Val23Leu). This variant is present in population databases (no rsID available, gnomAD 0.0009%). This variant has not been reported in the literature in individuals affected with INVS-related conditions. ClinVar contains an entry for this variant (Variation ID: 842184). Algorithms developed to predict the effect of missense changes on protein structure and function are either unavailable or do not agree on the potential impact of this missense change (SIFT: "Deleterious"; PolyPhen-2: "Benign"; Align-GVGD: "Class C0"). In summary, the available evidence is currently insufficient to determine the role of this variant in disease. Therefore, it has been classified as a Variant of Uncertain Significance.